The following is an entry in ClinVar:

ClinVar aggregate classification (germline): Uncertain significance (1 of 4 stars; one submission).

Allele frequency attached by ClinVar (database versions not stated): TOPMed below 0.00001.
gnomAD v4.1: 5 of 1,613,722 alleles (0.00031%); highest among the groups gnomAD compares: Non-Finnish European, 0.00042%; no homozygotes.

Submission:

Labcorp Genetics (formerly Invitae), Labcorp
Classification: Uncertain significance. Last evaluated: 2022-06-29. Review status: criteria provided, single submitter. Criteria: Invitae Variant Classification Sherloc (09022015). Collection method: clinical testing. Allele origin: germline.
Comment: This sequence change replaces alanine, which is neutral and non-polar, with threonine, which is neutral and polar, at codon 1408 of the DOCK6 protein (p.Ala1408Thr). This variant is present in population databases (rs771908844, gnomAD 0.002%). This variant has not been reported in the literature in individuals affected with DOCK6-related conditions. Algorithms developed to predict the effect of missense changes on protein structure and function (SIFT, PolyPhen-2, Align-GVGD) all suggest that this variant is likely to be tolerated. In summary, the available evidence is currently insufficient to determine the role of this variant in disease. Therefore, it has been classified as a Variant of Uncertain Significance.

NM_020812.4(DOCK6):c.4222G>A (p.Ala1408Thr)

Genes: DOCK6 (dedicator of cytokinesis 6; minus strand), DOCK6-AS1 (DOCK6 antisense RNA 1; plus strand). Cytogenetic location: 19p13.2.
Variant type: single nucleotide variant.
Coding change: c.4222G>A on transcript NM_020812.4 (MANE Select); coding-DNA position 4222, G replaced by A.
Protein change: p.Ala1408Thr; replaces alanine 1408 with threonine.
Molecular consequence: missense variant.
Genome position (GRCh38, 1-based): chr19:11,214,391, C>T on the plus strand (G>A on the coding strand, the complement: DOCK6 is on the minus strand). VCF-style: chr19-11214391-C-T. GRCh37 (hg19) VCF-style: chr19-11325067-C-T.
Other names: c.4327G>A, p.Ala1443Thr (NM_001367830.1); short protein forms A1443T, A1408T.
Identifiers: ClinVar variation 1926026 (VCV001926026.2), dbSNP rs771908844, ClinGen allele CA9206923.